The following is an entry in ClinVar:

NM_001038603.3(MARVELD2):c.932A>G (p.Tyr311Cys)

Gene: MARVELD2 (MARVEL domain containing 2; plus strand). Cytogenetic location: 5q13.2.
Variant type: single nucleotide variant.
Coding change: c.932A>G on transcript NM_001038603.3 (MANE Select); coding-DNA position 932, A replaced by G.
Protein change: p.Tyr311Cys; replaces tyrosine 311 with cysteine.
Molecular consequence: missense variant.
Genome position (GRCh38, 1-based): chr5:69,420,317, A>G. VCF-style: chr5-69420317-A-G. GRCh37 (hg19) VCF-style: chr5-68716144-A-G.
Other names: c.932A>G, p.Tyr311Cys (NM_001244734.2); short protein forms Y311C.
Identifiers: ClinVar variation 1334344 (VCV001334344.2), dbSNP rs980410511, ClinGen allele CA119992341.
Genomic context (GRCh38, chr5:69,420,317, plus strand): 5'-TAACTGAATTTGGAATTAACGTTGCCTTGTTTATTTTGTATATGGCCGCAGCCATAGTCT[A>G]TGTGAATGATACCAACCGAGGTGGCCTCTGCTACTATCCGTTATTTAATACACCAGTGAA-3'
Protein context (NP_001033692.2, residues 301-321): FILYMAAAIV[Tyr311Cys]VNDTNRGGLC

ClinVar aggregate classification (germline): Uncertain significance (1 of 4 stars; one submission).

Allele frequency attached by ClinVar (database versions not stated): gnomAD exomes below 0.00001; TOPMed 0.00003; gnomAD 0.00001.

Submission:

GeneDx
Classification: Uncertain significance. Last evaluated: 2022-01-13. Review status: criteria provided, single submitter. Criteria: GeneDx Variant Classification Process June 2021. Collection method: clinical testing. Allele origin: germline. Affected: yes.
Comment: Not observed at significant frequency in large population cohorts (gnomAD); In silico analysis supports that this missense variant has a deleterious effect on protein structure/function; Has not been previously published as pathogenic or benign to our knowledge